The following is an entry in ClinVar:

ClinVar aggregate classification (germline): Pathogenic/Likely pathogenic. Review status: criteria provided, multiple submitters, no conflicts (2 of 4 stars). 3 submissions from 3 submitters: Pathogenic (2); Likely pathogenic (1). Last evaluated 2025-08-28.

Conditions:
Medium-chain acyl-coenzyme A dehydrogenase deficiency (ACADMD). Also called: MCADD; MCAD Deficiency; CARNITINE DEFICIENCY SECONDARY TO MEDIUM-CHAIN ACYL-CoA DEHYDROGENASE DEFICIENCY; ACADM DEFICIENCY; MCADH DEFICIENCY; Medium chain acyl-CoA dehydrogenase deficiency. Identifiers: Orphanet 42, MedGen C0220710, MONDO:0008721, OMIM 201450.

Submissions (3):

Natera, Inc.
Classification: Pathogenic for Medium Chain Acyl-CoA Dehydrogenase Deficiency. Last evaluated: 2025-08-28. Review status: criteria provided, single submitter. Criteria: Natera Variant Classification Schema (03/2026). Collection method: clinical testing. Allele origin: germline.
Comment: The c.287-1G>C variant in ACADM is a canonical splice acceptor site variant predicted to affect pre-mRNA splicing, which may result in an abnormal transcript and altered protein product. This variant is expected to result in nonsense mediated decay, truncation, or a dysfunctional protein product. This variant is rare in the general population with a frequency below the threshold expected for the associated phenotype(s). Another variant at this same site results in an alteration predicted to cause a similar molecular effect has been observed in individual(s) with the associated phenotype. Given the available evidence, this variant is classified as Pathogenic.

Labcorp Genetics (formerly Invitae), Labcorp
Classification: Likely pathogenic for Medium-chain acyl-coenzyme A dehydrogenase deficiency. Last evaluated: 2023-03-10. Review status: criteria provided, single submitter. Criteria: Invitae Variant Classification Sherloc (09022015). Collection method: clinical testing. Allele origin: germline.
Comment: This sequence change affects an acceptor splice site in intron 4 of the ACADM gene. It is expected to disrupt RNA splicing. Variants that disrupt the donor or acceptor splice site typically lead to a loss of protein function (PMID: 16199547), and loss-of-function variants in ACADM are known to be pathogenic (PMID: 16121256, 20434380). This variant is not present in population databases (gnomAD no frequency). This variant has not been reported in the literature in individuals affected with ACADM-related conditions. ClinVar contains an entry for this variant (Variation ID: 197616). Algorithms developed to predict the effect of sequence changes on RNA splicing suggest that this variant may disrupt the consensus splice site. In summary, the currently available evidence indicates that the variant is pathogenic, but additional data are needed to prove that conclusively. Therefore, this variant has been classified as Likely Pathogenic.

Eurofins Ntd Llc (ga)
Classification: Pathogenic. Last evaluated: 2014-12-03. Review status: criteria provided, single submitter. Criteria: EGL Classification Definitions 2015. Collection method: clinical testing. Allele origin: germline. Observed: 1 variant allele, 1 homozygote.

Literature cited by the submitters: PubMed 16199547 (cited by Labcorp Genetics (formerly Invitae), Labcorp); PubMed 16121256 (cited by Labcorp Genetics (formerly Invitae), Labcorp); PubMed 20434380 (cited by Labcorp Genetics (formerly Invitae), Labcorp).

NM_000016.6(ACADM):c.287-1G>C

Gene: ACADM (acyl-CoA dehydrogenase medium chain; plus strand). Cytogenetic location: 1p31.1.
Variant type: single nucleotide variant.
Coding change: c.287-1G>C on transcript NM_000016.6 (MANE Select); the canonical splice acceptor site of the intron before coding-DNA position 287, G replaced by C.
Molecular consequence: splice acceptor variant. On other transcripts: intron variant (1).
Genome position (GRCh38, 1-based): chr1:75,733,527, G>C. VCF-style: chr1-75733527-G-C. GRCh37 (hg19) VCF-style: chr1-76199212-G-C.
Other names: c.299-1G>C (NM_001127328.3); c.386-1G>C (NM_001286043.2); c.179-1G>C (NM_001286042.2); c.-100+605G>C (NM_001286044.2); c.287-1G>C (NM_000016.5).
Identifiers: ClinVar variation 197616 (VCV000197616.9), dbSNP rs794727694, ClinGen allele CA275290.